The following is an entry in ClinVar:

NM_015340.4(LARS2):c.1075G>A (p.Val359Ile)

Genes: LARS2 (leucyl-tRNA synthetase 2, mitochondrial; plus strand), LARS2-AS1 (LARS2 antisense RNA 1; minus strand). Cytogenetic location: 3p21.31.
Variant type: single nucleotide variant.
Coding change: c.1075G>A on transcript NM_015340.4 (MANE Select); coding-DNA position 1075, G replaced by A.
Protein change: p.Val359Ile; replaces valine 359 with isoleucine.
Molecular consequence: missense variant.
Genome position (GRCh38, 1-based): chr3:45,485,748, G>A. VCF-style: chr3-45485748-G-A. GRCh37 (hg19) VCF-style: chr3-45527240-G-A.
Other names: c.1075G>A, p.Val359Ile (NM_001368263.1); c.1075G>A (NM_015340.3); short protein forms V359I.
Identifiers: ClinVar variation 1393275 (VCV001393275.4), dbSNP rs575202634, ClinGen allele CA2349504.
Genomic context (GRCh38, chr3:45,485,748, plus strand): 5'-TCAGATTGCCTCACGCCTGTAATGGCTGTGAACATGCTTACCCAGCAGGAGGTCCCTGTC[G>A]TTATTTTGGCCAAAGCTGACTTGGAAGGCTCTCTGGATTCAAAAATAGGTAAGCAGCTAT-3'
Protein context (NP_056155.1, residues 349-369): NMLTQQEVPV[Val359Ile]ILAKADLEGS

ClinVar aggregate classification (germline): Uncertain significance. Review status: criteria provided, multiple submitters, no conflicts (2 of 4 stars). 3 submissions from 3 submitters: Uncertain significance (3). Last evaluated 2024-12-25.

Conditions:
Inborn genetic diseases. Identifiers: MedGen C0950123, MeSH D030342.

Allele frequency attached by ClinVar (database versions not stated): TOPMed 0.00002; gnomAD 0.00006 and 0.00007.
gnomAD v4.1: 53 of 1,611,746 alleles (0.0033%); highest among the groups gnomAD compares: Middle Eastern, 0.016%; no homozygotes.

Submissions (3):

Ambry Genetics
Classification: Uncertain significance for Inborn genetic diseases. Last evaluated: 2024-12-25. Review status: criteria provided, single submitter. Criteria: Ambry Variant Classification Scheme 2023. Collection method: clinical testing. Allele origin: germline.

GeneDx
Classification: Uncertain significance. Last evaluated: 2023-09-14. Review status: criteria provided, single submitter. Criteria: GeneDx Variant Classification Process June 2021. Collection method: clinical testing. Allele origin: germline. Affected: yes.
Comment: In silico analysis supports that this missense variant does not alter protein structure/function; Has not been previously published as pathogenic or benign to our knowledge

Labcorp Genetics (formerly Invitae), Labcorp
Classification: Uncertain significance. Last evaluated: 2022-03-14. Review status: criteria provided, single submitter. Criteria: Invitae Variant Classification Sherloc (09022015). Collection method: clinical testing. Allele origin: germline.
Comment: This sequence change replaces valine, which is neutral and non-polar, with isoleucine, which is neutral and non-polar, at codon 359 of the LARS2 protein (p.Val359Ile). This variant is present in population databases (rs575202634, gnomAD 0.02%). This variant has not been reported in the literature in individuals affected with LARS2-related conditions. Algorithms developed to predict the effect of missense changes on protein structure and function output the following: SIFT: "Tolerated"; PolyPhen-2: "Benign"; Align-GVGD: "Class C0". The isoleucine amino acid residue is found in multiple mammalian species, which suggests that this missense change does not adversely affect protein function. In summary, the available evidence is currently insufficient to determine the role of this variant in disease. Therefore, it has been classified as a Variant of Uncertain Significance.